The following is an entry in ClinVar:

NM_006767.4(LZTR1):c.2408T>A (p.Val803Asp)

Gene: LZTR1 (leucine zipper like post translational regulator 1; plus strand). Cytogenetic location: 22q11.21.
Variant type: single nucleotide variant.
Coding change: c.2408T>A on transcript NM_006767.4 (MANE Select); coding-DNA position 2408, T replaced by A.
Protein change: p.Val803Asp; replaces valine 803 with aspartic acid.
Molecular consequence: missense variant.
Genome position (GRCh38, 1-based): chr22:20,997,233, T>A. VCF-style: chr22-20997233-T-A. GRCh37 (hg19) VCF-style: chr22-21351522-T-A.
Other names: c.2408T>A (NM_006767.3); short protein forms V803D.
Identifiers: ClinVar variation 3620059 (VCV003620059.5).

ClinVar aggregate classification (germline): Uncertain significance. Review status: criteria provided, multiple submitters, no conflicts (2 of 4 stars). 3 submissions from 3 submitters: Uncertain significance (3). Last evaluated 2026-08-08.

Conditions:
Hereditary cancer-predisposing syndrome. Also called: Hereditary neoplastic syndrome; Neoplastic Syndromes, Hereditary; Tumor predisposition; Hereditary Cancer Syndrome. Identifiers: Orphanet 140162, MedGen C0027672, MeSH D009386, MONDO:0015356.
Cardiovascular phenotype. Identifiers: MedGen CN230736.

Submissions (3):

Ambry Genetics
Classification: Uncertain significance for Cardiovascular phenotype; Hereditary cancer-predisposing syndrome. Last evaluated: 2026-08-08. Review status: criteria provided, single submitter. Criteria: Ambry Variant Classification Scheme 2023. Collection method: clinical testing. Allele origin: germline.
Comment: The p.V803D variant (also known as c.2408T>A), located in coding exon 21 of the LZTR1 gene, results from a T to A substitution at nucleotide position 2408. The valine at codon 803 is replaced by aspartic acid, an amino acid with highly dissimilar properties. This amino acid position is conserved. In addition, this alteration is predicted to be deleterious by in silico analysis. Based on the available evidence, the clinical significance of this variant remains unclear.

Dasa
Classification: Uncertain significance. Last evaluated: 2025-09-17. Review status: criteria provided, single submitter. Criteria: DASA Assertion Criteria. Collection method: clinical testing. Allele origin: germline.
Comment: NM_006767.4(LZTR1):c.2408T>A (p.Val803Asp) is a missense variant that results in the substitution of valine with aspartic acid. This variant is absent from population databases. Computational prediction algorithms are consistent with a deleterious effect. The currently available literature and clinical evidence are not sufficient to establish a definitive association between this variant and the reported condition. Therefore, this variant is classified as a variant of uncertain significance.

Labcorp Genetics (formerly Invitae), Labcorp
Classification: Uncertain significance. Last evaluated: 2024-12-11. Review status: criteria provided, single submitter. Criteria: Invitae Variant Classification Sherloc (09022015). Collection method: clinical testing. Allele origin: germline.
Comment: This sequence change replaces valine, which is neutral and non-polar, with aspartic acid, which is acidic and polar, at codon 803 of the LZTR1 protein (p.Val803Asp). This variant is not present in population databases (gnomAD no frequency). This variant has not been reported in the literature in individuals affected with LZTR1-related conditions. An algorithm developed to predict the effect of missense changes on protein structure and function (PolyPhen-2) suggests that this variant is likely to be disruptive. In summary, the available evidence is currently insufficient to determine the role of this variant in disease. Therefore, it has been classified as a Variant of Uncertain Significance.